The following is an entry in ClinVar:

NM_006393.3(NEBL):c.2057T>C (p.Val686Ala)

Genes: NEBL (nebulette; minus strand), LOC126860875 (MED14-independent group 3 enhancer GRCh37_chr10:21105746-21106945; plus strand). Cytogenetic location: 10p12.31.
Variant type: single nucleotide variant.
Coding change: c.2057T>C on transcript NM_006393.3 (MANE Select); coding-DNA position 2057, T replaced by C.
Protein change: p.Val686Ala; replaces valine 686 with alanine.
Molecular consequence: missense variant. On other transcripts: intron variant (9).
Genome position (GRCh38, 1-based): chr10:20,817,691, A>G on the plus strand (T>C on the coding strand, the complement: NEBL is on the minus strand). VCF-style: chr10-20817691-A-G. GRCh37 (hg19) VCF-style: chr10-21106620-A-G.
Other names: c.250-4751T>C (NM_001377326.1, NM_001377327.1, NM_001377328.1); c.358-4751T>C (NM_213569.2, NM_001173484.2, NM_001377322.1); c.301-4751T>C (NM_001377324.1); c.292-4751T>C (NM_001377325.1); c.310-4751T>C (NM_001377323.1); short protein forms V686A.
Identifiers: ClinVar variation 45490 (VCV000045490.20), dbSNP rs74120667, ClinGen allele CA136423.
Genomic context (GRCh38, chr10:20,817,691, plus strand): 5'-CTCTTCAGCTCTGGTGGATCAGAAATTGCAGTTCCCCGTTGAAGTTCTCCCTTATATTTT[A>G]CCTAAGAAGGATAAATAAGAACTTTAACAGATAGCACAATGGGCTCCACTGAAATACCAC-3'
Protein context (NP_006384.1, residues 676-696): VRRNQEQLSA[Val686Ala]KYKGELQRGT

ClinVar aggregate classification (germline): Benign/Likely benign. Review status: criteria provided, multiple submitters, no conflicts (2 of 4 stars). 5 submissions from 5 submitters: Benign (3); Likely benign (1). 1 of the submissions does not count toward it. Last evaluated 2026-02-03.

Conditions:
NEBL-related disorder. Also called: NEBL-related condition.
Primary dilated cardiomyopathy (DCM). Also called: Dilated Cardiomyopathy. Identifiers: Orphanet 217604, MedGen C0007193, MeSH D002311, MONDO:0005021, HP:0001644. Inheritance: Various modes of inheritance.

Allele frequency attached by ClinVar (database versions not stated): gnomAD exomes 0.00251; ExAC 0.00297; gnomAD 0.00837 and 0.00888; TOPMed 0.00923; 1000 Genomes Project 0.00978; 1000 Genomes Project 30x 0.01031; ESP Exome Variant Server 0.01107.
gnomAD v4.1: 2,644 of 1,608,220 alleles (0.16%); highest among the groups gnomAD compares: African/African-American, 2.9%; 49 homozygotes.

Submissions (5):

Labcorp Genetics (formerly Invitae), Labcorp
Classification: Benign for Primary dilated cardiomyopathy. Last evaluated: 2026-02-03. Review status: criteria provided, single submitter. Criteria: Invitae Variant Classification Sherloc (09022015). Collection method: clinical testing. Allele origin: germline.

Women's Health and Genetics/Laboratory Corporation of America, LabCorp
Classification: Likely benign. Last evaluated: 2023-08-19. Review status: criteria provided, single submitter. Criteria: LabCorp Variant Classification Summary - May 2015. Collection method: clinical testing. Allele origin: germline.

GeneDx
Classification: Benign. Last evaluated: 2015-03-03. Review status: criteria provided, single submitter. Criteria: GeneDx Variant Classification Process June 2021. Collection method: clinical testing. Allele origin: germline. Affected: yes.

Laboratory for Molecular Medicine, Mass General Brigham Personalized Medicine
Classification: Benign. Last evaluated: 2012-03-19. Review status: criteria provided, single submitter. Criteria: LMM Criteria. Collection method: clinical testing. Allele origin: germline. Observed: 18 variant alleles.
Comment: p.Val686Ala in Exon 21 of NEBL: This variant is not expected to have clinical si gnificance because it has been identified in 3.2% (119/3738) of African American chromosomes from a broad population by the NHLBI Exome Sequencing Project (dbSNP rs74120667).

PreventionGenetics, part of Exact Sciences
Classification: Benign for NEBL-related condition. Last evaluated: 2019-05-20. Review status: no assertion criteria provided. Collection method: clinical testing. Allele origin: germline. Not counted in ClinVar's aggregate classification.
Comment: This variant is classified as benign based on ACMG/AMP sequence variant interpretation guidelines (Richards et al. 2015 PMID: 25741868, with internal and published modifications).